The following is an entry in ClinVar:

NM_002796.3(PSMB4):c.76T>C (p.Ser26Pro)

Gene: PSMB4 (proteasome 20S subunit beta 4; plus strand). Cytogenetic location: 1q21.3.
Variant type: single nucleotide variant.
Coding change: c.76T>C on transcript NM_002796.3 (MANE Select); coding-DNA position 76, T replaced by C.
Protein change: p.Ser26Pro; replaces serine 26 with proline.
Molecular consequence: missense variant.
Genome position (GRCh38, 1-based): chr1:151,399,663, T>C. VCF-style: chr1-151399663-T-C. GRCh37 (hg19) VCF-style: chr1-151372139-T-C.
Other names: short protein forms S26P.
Identifiers: ClinVar variation 3633350 (VCV003633350.2).

ClinVar aggregate classification (germline): Uncertain significance (1 of 4 stars; one submission).

Submission:

Labcorp Genetics (formerly Invitae), Labcorp
Classification: Uncertain significance. Last evaluated: 2024-05-09. Review status: criteria provided, single submitter. Criteria: Invitae Variant Classification Sherloc (09022015). Collection method: clinical testing. Allele origin: germline.
Comment: This sequence change replaces serine, which is neutral and polar, with proline, which is neutral and non-polar, at codon 26 of the PSMB4 protein (p.Ser26Pro). This variant is not present in population databases (gnomAD no frequency). This variant has not been reported in the literature in individuals affected with PSMB4-related conditions. Algorithms developed to predict the effect of missense changes on protein structure and function output the following: SIFT: "Not Available"; PolyPhen-2: "Benign"; Align-GVGD: "Not Available". The proline amino acid residue is found in multiple mammalian species, which suggests that this missense change does not adversely affect protein function. In summary, the available evidence is currently insufficient to determine the role of this variant in disease. Therefore, it has been classified as a Variant of Uncertain Significance.